The following is an entry in ClinVar:

NM_001042492.3(NF1):c.467G>A (p.Arg156His)

Gene: NF1 (neurofibromin 1; plus strand). Cytogenetic location: 17q11.2.
Variant type: single nucleotide variant.
Coding change: c.467G>A on transcript NM_001042492.3 (MANE Select); coding-DNA position 467, G replaced by A.
Protein change: p.Arg156His; replaces arginine 156 with histidine.
Molecular consequence: missense variant.
Genome position (GRCh38, 1-based): chr17:31,163,364, G>A. VCF-style: chr17-31163364-G-A. GRCh37 (hg19) VCF-style: chr17-29490382-G-A.
Other names: c.467G>A, p.Arg156His (NM_000267.4, NM_001128147.3); short protein forms R156H.
Identifiers: ClinVar variation 527544 (VCV000527544.9), dbSNP rs754096545, ClinGen allele CA8485543.

ClinVar aggregate classification (germline): Conflicting classifications of pathogenicity. Review status: criteria provided, conflicting classifications (1 of 4 stars). 2 submissions from 2 submitters: Uncertain significance (1); Likely benign (1). Last evaluated 2025-04-30.

Conditions:
Cardiovascular phenotype. Identifiers: MedGen CN230736.
Hereditary cancer-predisposing syndrome. Also called: Neoplastic Syndromes, Hereditary; Tumor predisposition; Hereditary neoplastic syndrome; Hereditary Cancer Syndrome. Identifiers: Orphanet 140162, MedGen C0027672, MeSH D009386, MONDO:0015356.
Neurofibromatosis, type 1 (NF1). Also called: VON RECKLINGHAUSEN DISEASE; NEUROFIBROMATOSIS, TYPE I, SOMATIC; Peripheral type neurofibromatosis; Neurofibromatosis, type I. Identifiers: Orphanet 636, MedGen C0027831, MONDO:0018975, OMIM 162200. Disease mechanism: loss of function.

Allele frequency attached by ClinVar (database versions not stated): gnomAD 0.00001.
gnomAD v4.1: 5 of 1,613,846 alleles (0.00031%); highest among the groups gnomAD compares: Non-Finnish European, 0.00025%; no homozygotes.

Submissions (2):

Ambry Genetics
Classification: Uncertain significance for Cardiovascular phenotype; Hereditary cancer-predisposing syndrome. Last evaluated: 2025-04-30. Review status: criteria provided, single submitter. Criteria: Ambry Variant Classification Scheme 2023. Collection method: clinical testing. Allele origin: germline.
Comment: The p.R156H variant (also known as c.467G>A), located in coding exon 4 of the NF1 gene, results from a G to A substitution at nucleotide position 467. The arginine at codon 156 is replaced by histidine, an amino acid with highly similar properties. This amino acid position is highly conserved in available vertebrate species. In addition, this alteration is predicted to be deleterious by in silico analysis. Based on the available evidence, the clinical significance of this variant remains unclear.

Labcorp Genetics (formerly Invitae), Labcorp
Classification: Likely benign for Neurofibromatosis, type 1. Last evaluated: 2024-04-22. Review status: criteria provided, single submitter. Criteria: Invitae Variant Classification Sherloc (09022015). Collection method: clinical testing. Allele origin: germline.